The following is an entry in ClinVar:

ClinVar aggregate classification (germline): Uncertain significance (1 of 4 stars; one submission).

Submission:

Labcorp Genetics (formerly Invitae), Labcorp
Classification: Uncertain significance. Last evaluated: 2022-05-13. Review status: criteria provided, single submitter. Criteria: Invitae Variant Classification Sherloc (09022015). Collection method: clinical testing. Allele origin: germline.
Comment: In summary, the available evidence is currently insufficient to determine the role of this variant in disease. Therefore, it has been classified as a Variant of Uncertain Significance. Algorithms developed to predict the effect of missense changes on protein structure and function are either unavailable or do not agree on the potential impact of this missense change (SIFT: "Deleterious"; PolyPhen-2: "Probably Damaging"; Align-GVGD: "Class C0"). This variant has not been reported in the literature in individuals affected with PRPF8-related conditions. This variant is not present in population databases (gnomAD no frequency). This sequence change replaces histidine, which is basic and polar, with aspartic acid, which is acidic and polar, at codon 121 of the PRPF8 protein (p.His121Asp).

NM_006445.4(PRPF8):c.361C>G (p.His121Asp)

Gene: PRPF8 (pre-mRNA processing factor 8; minus strand). Cytogenetic location: 17p13.3.
Variant type: single nucleotide variant.
Coding change: c.361C>G on transcript NM_006445.4 (MANE Select); coding-DNA position 361, C replaced by G.
Protein change: p.His121Asp; replaces histidine 121 with aspartic acid.
Molecular consequence: missense variant.
Genome position (GRCh38, 1-based): chr17:1,682,202, G>C on the plus strand (C>G on the coding strand, the complement: PRPF8 is on the minus strand). VCF-style: chr17-1682202-G-C. GRCh37 (hg19) VCF-style: chr17-1585496-G-C.
Other names: short protein forms H121D.
Identifiers: ClinVar variation 1994034 (VCV001994034.4), dbSNP rs2543783711, ClinGen allele CA397569923.